The following is an entry in ClinVar:

NM_001374353.1(GLI2):c.1620C>T (p.Thr540=)

Gene: GLI2 (GLI family zinc finger 2; plus strand). Cytogenetic location: 2q14.2.
Variant type: single nucleotide variant.
Coding change: c.1620C>T on transcript NM_001374353.1 (MANE Select); coding-DNA position 1620, C replaced by T.
Protein change: p.Thr540=; no amino-acid change (threonine 540 retained).
Molecular consequence: synonymous variant.
Genome position (GRCh38, 1-based): chr2:120,982,868, C>T. VCF-style: chr2-120982868-C-T. GRCh37 (hg19) VCF-style: chr2-121740444-C-T.
Other names: c.1671C>T, p.Thr557= (NM_001371271.1, NM_005270.5); c.1245C>T, p.Thr415= (NM_001374354.1).
Identifiers: ClinVar variation 3029173 (VCV003029173.2), dbSNP rs773572118, ClinGen allele CA1851963.
Genomic context (GRCh38, chr2:120,982,868, plus strand): 5'-CGAGGGCTGCAACAAAGCCTTCTCCAACGCCTCGGACCGCGCCAAGCACCAGAATCGCAC[C>T]CACTCCAACGAGGTACCTCTGCGGGGCATGCACTGGGCATGCACACTGGGGCCCCACTGA-3'
Protein context (NP_001361282.1, residues 530-550): ASDRAKHQNR[Thr540=]HSNEKPYICK

ClinVar aggregate classification (germline): Likely benign (0 of 4 stars; one submission).

Conditions:
GLI2-related disorder. Also called: GLI2-related disorders; GLI2-related condition.

Allele frequency attached by ClinVar (database versions not stated): ExAC 0.00001; gnomAD 0.00001; TOPMed 0.00001.
gnomAD v4.1: 9 of 1,613,844 alleles (0.00056%); highest among the groups gnomAD compares: Non-Finnish European, 0.00076%; no homozygotes.

Submission:

PreventionGenetics, part of Exact Sciences
Classification: Likely benign for GLI2-related condition. Last evaluated: 2021-12-29. Review status: no assertion criteria provided. Collection method: clinical testing. Allele origin: germline.
Comment: This variant is classified as likely benign based on ACMG/AMP sequence variant interpretation guidelines (Richards et al. 2015 PMID: 25741868, with internal and published modifications).